The following is an entry in ClinVar:

ClinVar aggregate classification (germline): Conflicting classifications of pathogenicity. Review status: criteria provided, conflicting classifications (1 of 4 stars). 6 submissions from 6 submitters: Uncertain significance (3); Benign (2); Likely benign (1). Last evaluated 2026-01-10.

Conditions:
Hereditary cancer-predisposing syndrome. Also called: Tumor predisposition; Hereditary Cancer Syndrome; Hereditary neoplastic syndrome; Neoplastic Syndromes, Hereditary. Identifiers: Orphanet 140162, MedGen C0027672, MeSH D009386, MONDO:0015356.
Tuberous sclerosis 1 (TSC1). Identifiers: Orphanet 805, MedGen C1854465, MONDO:0008612, OMIM 191100.
Tuberous sclerosis syndrome (TSC). Also called: Tuberous Sclerosis Complex; Tuberous sclerosis. Identifiers: Orphanet 805, MedGen C0041341, MONDO:0001734.

Allele frequency attached by ClinVar (database versions not stated): gnomAD 0.00001; gnomAD exomes 0.00001 and 0.00002; TOPMed 0.00002.
gnomAD v4.1: 26 of 1,614,036 alleles (0.0016%); highest among the groups gnomAD compares: Non-Finnish European, 0.0019%; no homozygotes.

Submissions (6):

Labcorp Genetics (formerly Invitae), Labcorp
Classification: Benign for Tuberous sclerosis 1. Last evaluated: 2026-01-10. Review status: criteria provided, single submitter. Criteria: Invitae Variant Classification Sherloc (09022015). Collection method: clinical testing. Allele origin: germline.

Color Diagnostics, LLC DBA Color Health
Classification: Uncertain significance for Tuberous sclerosis syndrome. Last evaluated: 2025-06-09. Review status: criteria provided, single submitter. Criteria: ACMG Guidelines, 2015. Collection method: clinical testing. Allele origin: germline.
Comment: This missense variant replaces histidine with proline at codon 1139 of the TSC1 protein. Computational prediction suggests that this variant may not impact protein structure and function. To our knowledge, functional studies have not been reported for this variant. This variant has not been reported in individuals affected with TSC1-related disorders in the literature. This variant has been identified in 2/251376 chromosomes in the general population by the Genome Aggregation Database (gnomAD). The available evidence is insufficient to determine the role of this variant in disease conclusively. Therefore, this variant is classified as a Variant of Uncertain Significance.

Ambry Genetics
Classification: Benign for Hereditary cancer-predisposing syndrome. Last evaluated: 2024-02-05. Review status: criteria provided, single submitter. Criteria: Ambry Variant Classification Scheme 2023. Collection method: clinical testing. Allele origin: germline.

All of Us Research Program, National Institutes of Health
Classification: Uncertain significance for Tuberous sclerosis syndrome. Last evaluated: 2023-10-30. Review status: criteria provided, single submitter. Criteria: ACMG Guidelines, 2015. Collection method: clinical testing. Allele origin: germline. Inheritance: Autosomal dominant inheritance. Observed: 4 variant alleles, 4 heterozygotes.
Comment: This missense variant replaces histidine with proline at codon 1139 of the TSC1 protein. Computational prediction suggests that this variant may not impact protein structure and function (internally defined REVEL score threshold <= 0.5, PMID: 27666373). To our knowledge, functional studies have not been reported for this variant. This variant has not been reported in individuals affected with TSC1-related disorders in the literature. This variant has been identified in 2/251376 chromosomes in the general population by the Genome Aggregation Database (gnomAD). The available evidence is insufficient to determine the role of this variant in disease conclusively. Therefore, this variant is classified as a Variant of Uncertain Significance.

This study involves interpretation of variants in research participants for the purpose of population health screening. Participant phenotype was not available at the time of variant classification. Additional details can be found in publication PMID: 35346344, PMCID: PMC8962531

Sema4
Classification: Uncertain significance for Hereditary cancer-predisposing syndrome. Last evaluated: 2021-11-16. Review status: criteria provided, single submitter. Criteria: Sema4 Curation Guidelines. Collection method: curation. Allele origin: germline.
Comment: The TSC1 c.3416A>C (p.H1139P) variant has not been reported in the literature to our knowledge. It was observed in 2/113696 chromosomes of the European (non-Finnish) subpopulation in the large and broad cohorts of the Genome Aggregation Database (PMID: 32461654). The variant has been reported in ClinVar (Variation ID 237719). Functional studies have not been performed, and in silico predictions of the variant's effect on protein function are inconclusive. The evidence is insufficient to meet ACMG/AMP criteria for classifying the variant as benign or pathogenic. Thus, the clinical significance of this variant is currently uncertain.

Genome-Nilou Lab
Classification: Likely benign for Tuberous sclerosis 1. Last evaluated: 2021-11-07. Review status: criteria provided, single submitter. Criteria: ACMG Guidelines, 2015. Collection method: clinical testing. Allele origin: germline. Affected: no.

NM_000368.5(TSC1):c.3416A>C (p.His1139Pro)

Gene: TSC1 (TSC complex subunit 1; minus strand). Cytogenetic location: 9q34.13.
Variant type: single nucleotide variant.
Coding change: c.3416A>C on transcript NM_000368.5 (MANE Select); coding-DNA position 3416, A replaced by C.
Protein change: p.His1139Pro; replaces histidine 1139 with proline.
Molecular consequence: missense variant.
Genome position (GRCh38, 1-based): chr9:132,896,314, T>G on the plus strand (A>C on the coding strand, the complement: TSC1 is on the minus strand). VCF-style: chr9-132896314-T-G. GRCh37 (hg19) VCF-style: chr9-135771701-T-G.
Other names: c.3413A>C, p.His1138Pro (NM_001162426.2); c.3263A>C, p.His1088Pro (NM_001162427.2); c.3053A>C, p.His1018Pro (NM_001362177.2); short protein forms H1139P, H1018P, H1088P, H1138P.
Identifiers: ClinVar variation 237719 (VCV000237719.21), dbSNP rs764018144, ClinGen allele CA10582619.